The following is an entry in ClinVar:

ClinVar aggregate classification (germline): Uncertain significance. Review status: criteria provided, multiple submitters, no conflicts (2 of 4 stars). 2 submissions from 2 submitters: Uncertain significance (2). Last evaluated 2024-05-15.

Conditions:
Congenital myasthenic syndrome 8. Also called: MYASTHENIC SYNDROME, CONGENITAL, DUE TO AGRIN DEFICIENCY; Myasthenic syndrome, congenital, 8, with pre- and postsynaptic defects. Identifiers: Orphanet 590, MedGen C3808739, MONDO:0014052, OMIM 615120.
Inborn genetic diseases. Identifiers: MedGen C0950123, MeSH D030342.

Allele frequency attached by ClinVar (database versions not stated): ExAC 0.00006; TOPMed 0.00006; gnomAD 0.00007; gnomAD exomes 0.00009; ESP Exome Variant Server 0.00015.
gnomAD v4.1: 149 of 1,606,708 alleles (0.0093%); highest among the groups gnomAD compares: Non-Finnish European, 0.012%; no homozygotes.

Submissions (2):

Ambry Genetics
Classification: Uncertain significance for Inborn genetic diseases. Last evaluated: 2024-05-15. Review status: criteria provided, single submitter. Criteria: Ambry Variant Classification Scheme 2023. Collection method: clinical testing. Allele origin: germline.

Labcorp Genetics (formerly Invitae), Labcorp
Classification: Uncertain significance for Congenital myasthenic syndrome 8. Last evaluated: 2024-03-21. Review status: criteria provided, single submitter. Criteria: Invitae Variant Classification Sherloc (09022015). Collection method: clinical testing. Allele origin: germline.
Comment: This sequence change replaces tryptophan, which is neutral and slightly polar, with leucine, which is neutral and non-polar, at codon 1036 of the AGRN protein (p.Trp1036Leu). This variant is present in population databases (rs375721168, gnomAD 0.006%). This variant has not been reported in the literature in individuals affected with AGRN-related conditions. ClinVar contains an entry for this variant (Variation ID: 1956769). An algorithm developed to predict the effect of missense changes on protein structure and function (PolyPhen-2) suggests that this variant¬†is likely to be tolerated. In summary, the available evidence is currently insufficient to determine the role of this variant in disease. Therefore, it has been classified as a Variant of Uncertain Significance.

NM_198576.4(AGRN):c.3107G>T (p.Trp1036Leu)

Gene: AGRN (agrin; plus strand). Cytogenetic location: 1p36.33.
Variant type: single nucleotide variant.
Coding change: c.3107G>T on transcript NM_198576.4 (MANE Select); coding-DNA position 3107, G replaced by T.
Protein change: p.Trp1036Leu; replaces tryptophan 1036 with leucine.
Molecular consequence: missense variant.
Genome position (GRCh38, 1-based): chr1:1,046,592, G>T. VCF-style: chr1-1046592-G-T. GRCh37 (hg19) VCF-style: chr1-981972-G-T.
Other names: c.3107G>T, p.Trp1036Leu (NM_001305275.2); c.2792G>T, p.Trp931Leu (NM_001364727.2); c.3107G>T (NM_198576.3); short protein forms W1036L, W931L.
Identifiers: ClinVar variation 1956769 (VCV001956769.4), dbSNP rs375721168, ClinGen allele CA508949.